The following is an entry in ClinVar:

NM_017802.4(DNAAF5):c.177G>T (p.Glu59Asp)

Genes: DNAAF5 (dynein axonemal assembly factor 5; plus strand), PRKAR1B (protein kinase cAMP-dependent type I regulatory subunit beta; minus strand), LOC129997730 (ATAC-STARR-seq lymphoblastoid silent region 17816; plus strand). Cytogenetic location: 7p22.3.
Variant type: single nucleotide variant.
Coding change: c.177G>T on transcript NM_017802.4 (MANE Select); coding-DNA position 177, G replaced by T.
Protein change: p.Glu59Asp; replaces glutamic acid 59 with aspartic acid.
Molecular consequence: missense variant. On other transcripts: non-coding transcript variant (1), intron variant (3).
Genome position (GRCh38, 1-based): chr7:726,897, G>T. VCF-style: chr7-726897-G-T. GRCh37 (hg19) VCF-style: chr7-766534-G-T.
Other names: c.-23+758C>A (NM_001164759.1); c.-23+693C>A (NM_001164758.2); c.-23+313C>A (NM_001164760.2); short protein forms E59D.
Identifiers: ClinVar variation 3681381 (VCV003681381.2).
Genomic context (GRCh38, chr7:726,897, plus strand): 5'-GGCCGACAGCAAGCCGGGCCGGCGGCGCGCCTTGGAGGCCCTGCGGCGCGCGCTGGAGGA[G>T]CCAGGCCCTGCCGCCGACCCCACCGCTTTCCAGGGCCCCTGGGCGCGCCTACTGCTGCCG-3'
Protein context (NP_060272.3, residues 49-69): ALEALRRALE[Glu59Asp]PGPAADPTAF

ClinVar aggregate classification (germline): Uncertain significance (1 of 4 stars; one submission).

Conditions:
Primary ciliary dyskinesia. Also called: Ciliary dyskinesia. Identifiers: Orphanet 244, MedGen C0008780, MONDO:0016575, HP:0012265.

Submission:

Labcorp Genetics (formerly Invitae), Labcorp
Classification: Uncertain significance for Primary ciliary dyskinesia. Last evaluated: 2024-03-10. Review status: criteria provided, single submitter. Criteria: Invitae Variant Classification Sherloc (09022015). Collection method: clinical testing. Allele origin: germline.
Comment: This sequence change replaces glutamic acid, which is acidic and polar, with aspartic acid, which is acidic and polar, at codon 59 of the DNAAF5 protein (p.Glu59Asp). This variant is not present in population databases (gnomAD no frequency). This variant has not been reported in the literature in individuals affected with DNAAF5-related conditions. Advanced modeling of protein sequence and biophysical properties (such as structural, functional, and spatial information, amino acid conservation, physicochemical variation, residue mobility, and thermodynamic stability) performed at Invitae indicates that this missense variant is not expected to disrupt DNAAF5 protein function with a negative predictive value of 80%. In summary, the available evidence is currently insufficient to determine the role of this variant in disease. Therefore, it has been classified as a Variant of Uncertain Significance.